The following is an entry in ClinVar:

ClinVar aggregate classification (germline): Pathogenic (1 of 4 stars; one submission).

Conditions:
Familial adenomatous polyposis 1 (FAP1). Also called: FAMILIAL ADENOMATOUS POLYPOSIS 1, ATTENUATED; POLYPOSIS, ADENOMATOUS INTESTINAL. Identifiers: MedGen C2713442, MONDO:0021056, OMIM 175100. Disease mechanism: loss of function.

Submission:

Labcorp Genetics (formerly Invitae), Labcorp
Classification: Pathogenic for Familial adenomatous polyposis 1. Last evaluated: 2022-02-25. Review status: criteria provided, single submitter. Criteria: Invitae Variant Classification Sherloc (09022015). Collection method: clinical testing. Allele origin: germline.
Comment: This variant is not present in population databases (gnomAD no frequency). This sequence change creates a premature translational stop signal (p.Gln1627Lysfs*23) in the APC gene. While this is not anticipated to result in nonsense mediated decay, it is expected to disrupt the last 1217 amino acid(s) of the APC protein. This premature translational stop signal has been observed in individual(s) with familial adenomatous polyposis (PMID: 20685668). This variant is expected to disrupt the EB1 and HDLG binding sites, which mediate interactions with the cytoskeleton (PMID: 15311282, 17293347). While functional studies have not been performed to directly test the effect on APC protein function, this suggests that disruption of the C-terminal portion of the protein is functionally important. A different truncation (p.Tyr2645Lysfs*14) that lies downstream of this variant has been determined to be pathogenic (PMID: 9824584, 1316610, 27081525, 8381579, 22135120, Invitae). This suggests that deletion of this region of the APC protein is causative of disease. For these reasons, this variant has been classified as Pathogenic.

Literature cited by the submitters: PubMed 20685668; PubMed 15311282; PubMed 17293347; PubMed 9824584; PubMed 1316610; PubMed 27081525; PubMed 8381579; PubMed 22135120.

NM_000038.6(APC):c.4879del (p.Gln1627fs)

Gene: APC (APC regulator of Wnt signaling pathway; plus strand). Cytogenetic location: 5q22.2.
Variant type: Deletion.
Coding change: c.4879del on transcript NM_000038.6 (MANE Select); coding-DNA position 4879, one base deleted (C; older notation c.4879delC).
Protein change: p.Gln1627fs; shifts the reading frame from glutamine 1627.
Molecular consequence: frameshift variant.
Genome position (GRCh38, 1-based): chr5:112,840,473, C deleted; the last of 4 consecutive C bases (chr5:112,840,470-112,840,473); deleting any one gives the same sequence. VCF-style (leftmost placement, unchanged base first): chr5-112840469-AC-A. GRCh37 (hg19) VCF-style: chr5-112176166-AC-A.
Other names: c.4879del, p.Gln1627fs (NM_001127510.3, NM_001354895.2); c.4825del, p.Gln1609fs (NM_001127511.3); c.4933del, p.Gln1645fs (NM_001354896.2); c.4909del, p.Gln1637fs (NM_001354897.2); c.4804del, p.Gln1602fs (NM_001354898.2); c.4795del, p.Gln1599fs (NM_001354899.2); c.4756del, p.Gln1586fs (NM_001354900.2); c.4702del, p.Gln1568fs (NM_001354901.2); and 5 more; short protein forms Q1501fs, Q1645fs, Q1344fs, Q1467fs, Q1602fs, Q1627fs, Q1526fs, Q1568fs.
Identifiers: ClinVar variation 1368662 (VCV001368662.8), dbSNP rs2149926235, ClinGen allele CA658760789.
Genomic context (GRCh38, chr5:112,840,469, plus strand): 5'-GGCAAGGAAACCAAGTCAGCTGCCTGTGTACAAACTTCTACCATCACAAAACAGGTTGCA[AC>A]CCCAAAAGCATGTTAGTTTTACACCGGGGGATGATATGCCACGGGTGTATTGTGTTGAAG-3'